The following is an entry in ClinVar:

NM_032383.5(HPS3):c.308G>A (p.Arg103His)

Gene: HPS3 (HPS3 biogenesis of lysosomal organelles complex 2 subunit 1; plus strand). Cytogenetic location: 3q24.
Variant type: single nucleotide variant.
Coding change: c.308G>A on transcript NM_032383.5 (MANE Select); coding-DNA position 308, G replaced by A.
Protein change: p.Arg103His; replaces arginine 103 with histidine.
Molecular consequence: missense variant. On other transcripts: intron variant (1).
Genome position (GRCh38, 1-based): chr3:149,140,094, G>A. VCF-style: chr3-149140094-G-A. GRCh37 (hg19) VCF-style: chr3-148857881-G-A.
Other names: c.218-923G>A (NM_001308258.2); short protein forms R103H.
Identifiers: ClinVar variation 2202541 (VCV002202541.4), dbSNP rs763467075, ClinGen allele CA354910678.
Genomic context (GRCh38, chr3:149,140,094, plus strand): 5'-ACAAAGCTACATTTCTACGTGCTTATGTGAACTGGAGAAATAAAAGGACTGAAAACTCTC[G>A]TGTGTGTATCCGAATGATTGGGCATAATGTGGAGGGACCATTCAGCAAAGCCTTCAGAGA-3'
Protein context (NP_115759.2, residues 93-113): NWRNKRTENS[Arg103His]VCIRMIGHNV

ClinVar aggregate classification (germline): Uncertain significance (1 of 4 stars; one submission).

Allele frequency attached by ClinVar (database versions not stated): gnomAD exomes below 0.00001; TOPMed below 0.00001; gnomAD 0.00001.
gnomAD v4.1: 6 of 1,613,098 alleles (0.00037%); highest among the groups gnomAD compares: Non-Finnish European, 0.00051%; no homozygotes.

Submission:

Labcorp Genetics (formerly Invitae), Labcorp
Classification: Uncertain significance. Last evaluated: 2023-10-13. Review status: criteria provided, single submitter. Criteria: Invitae Variant Classification Sherloc (09022015). Collection method: clinical testing. Allele origin: germline.
Comment: This sequence change replaces arginine, which is basic and polar, with histidine, which is basic and polar, at codon 103 of the HPS3 protein (p.Arg103His). This variant is not present in population databases (gnomAD no frequency). This variant has not been reported in the literature in individuals affected with HPS3-related conditions. ClinVar contains an entry for this variant (Variation ID: 2202541). Advanced modeling of protein sequence and biophysical properties (such as structural, functional, and spatial information, amino acid conservation, physicochemical variation, residue mobility, and thermodynamic stability) performed at Invitae indicates that this missense variant is expected to disrupt HPS3 protein function. In summary, the available evidence is currently insufficient to determine the role of this variant in disease. Therefore, it has been classified as a Variant of Uncertain Significance.